The following is an entry in ClinVar:

NM_016035.5(COQ4):c.64G>A (p.Ala22Thr)

Gene: COQ4 (coenzyme Q4; plus strand). Cytogenetic location: 9q34.11.
Variant type: single nucleotide variant.
Coding change: c.64G>A on transcript NM_016035.5 (MANE Select); coding-DNA position 64, G replaced by A.
Protein change: p.Ala22Thr; replaces alanine 22 with threonine.
Molecular consequence: missense variant.
Genome position (GRCh38, 1-based): chr9:128,322,922, G>A. VCF-style: chr9-128322922-G-A. GRCh37 (hg19) VCF-style: chr9-131085201-G-A.
Other names: c.64G>A, p.Ala22Thr (NM_001305942.2); short protein forms A22T.
Identifiers: ClinVar variation 2102589 (VCV002102589.4), dbSNP rs1832232566, ClinGen allele CA375017125.
Genomic context (GRCh38, chr9:128,322,922, plus strand): 5'-GCGACTCTGCTGCGCCCTGTCCTCCGTCGGCTCTGCGGGCTCCCGGGCCTACAGCGGCCT[G>A]CGGCAGGCAAGTGGCGCCGGGTTCTGGGCGCAGGCGGGAAGGAGCCTGAGGGCGCCCGGC-3'
Protein context (NP_057119.3, residues 12-32): LCGLPGLQRP[Ala22Thr]AEMPLRARSD

ClinVar aggregate classification (germline): Uncertain significance (1 of 4 stars; one submission).

Conditions:
Neonatal encephalomyopathy-cardiomyopathy-respiratory distress syndrome. Also called: Coenzyme Q10 deficiency, primary, 7. Identifiers: Orphanet 457185, MedGen C5568562, MONDO:0014562, OMIM 616276.

Submission:

Labcorp Genetics (formerly Invitae), Labcorp
Classification: Uncertain significance for Neonatal encephalomyopathy-cardiomyopathy-respiratory distress syndrome. Last evaluated: 2022-02-23. Review status: criteria provided, single submitter. Criteria: Invitae Variant Classification Sherloc (09022015). Collection method: clinical testing. Allele origin: germline.
Comment: In summary, the available evidence is currently insufficient to determine the role of this variant in disease. Therefore, it has been classified as a Variant of Uncertain Significance. Algorithms developed to predict the effect of missense changes on protein structure and function output the following: SIFT: "Tolerated"; PolyPhen-2: "Benign"; Align-GVGD: "Class C0". The threonine amino acid residue is found in multiple mammalian species, which suggests that this missense change does not adversely affect protein function. This variant has not been reported in the literature in individuals affected with COQ4-related conditions. This variant is not present in population databases (gnomAD no frequency). This sequence change replaces alanine, which is neutral and non-polar, with threonine, which is neutral and polar, at codon 22 of the COQ4 protein (p.Ala22Thr).